The following is an entry in ClinVar:

ClinVar aggregate classification (germline): Uncertain significance. Review status: criteria provided, multiple submitters, no conflicts (2 of 4 stars). 3 submissions from 3 submitters: Uncertain significance (3). Last evaluated 2025-12-18.

Conditions:
Hereditary cancer-predisposing syndrome. Also called: Neoplastic Syndromes, Hereditary; Hereditary neoplastic syndrome; Tumor predisposition; Hereditary Cancer Syndrome. Identifiers: Orphanet 140162, MedGen C0027672, MeSH D009386, MONDO:0015356.
Familial adenomatous polyposis 1 (FAP1). Also called: FAMILIAL ADENOMATOUS POLYPOSIS 1, ATTENUATED; POLYPOSIS, ADENOMATOUS INTESTINAL. Identifiers: MedGen C2713442, MONDO:0021056, OMIM 175100. Disease mechanism: loss of function.

Submissions (3):

Ambry Genetics
Classification: Uncertain significance for Hereditary cancer-predisposing syndrome. Last evaluated: 2025-12-18. Review status: criteria provided, single submitter. Criteria: Ambry Variant Classification Scheme 2023. Collection method: clinical testing. Allele origin: germline.
Comment: The p.I2181M variant (also known as c.6543A>G), located in coding exon 15 of the APC gene, results from an A to G substitution at nucleotide position 6543. The isoleucine at codon 2181 is replaced by methionine, an amino acid with highly similar properties. This amino acid position is conserved. In addition, in silico predictors for this gene do not accurately predict pathogenicity. Missense variants in APC are not a common cause of disease (Spier I et al. Genet Med. 2024 Feb;26(2):100992). Based on the available evidence, the clinical significance of this variant remains unclear.

Color Diagnostics, LLC DBA Color Health
Classification: Uncertain significance for Hereditary cancer-predisposing syndrome. Last evaluated: 2023-12-05. Review status: criteria provided, single submitter. Criteria: ACMG Guidelines, 2015. Collection method: clinical testing. Allele origin: germline.
Comment: This missense variant replaces isoleucine with methionine at codon 2181 of the APC protein. Computational prediction suggests that this variant may not impact protein structure and function (internally defined REVEL score threshold <= 0.5, PMID: 27666373). To our knowledge, functional studies have not been reported for this variant. This variant has not been reported in individuals affected with APC-related disorders in the literature. This variant has not been identified in the general population by the Genome Aggregation Database (gnomAD). The available evidence is insufficient to determine the role of this variant in disease conclusively. Therefore, this variant is classified as a Variant of Uncertain Significance.

Labcorp Genetics (formerly Invitae), Labcorp
Classification: Uncertain significance for Familial adenomatous polyposis 1. Last evaluated: 2023-09-08. Review status: criteria provided, single submitter. Criteria: Invitae Variant Classification Sherloc (09022015). Collection method: clinical testing. Allele origin: germline.
Comment: In summary, the available evidence is currently insufficient to determine the role of this variant in disease. Therefore, it has been classified as a Variant of Uncertain Significance. Advanced modeling of protein sequence and biophysical properties (such as structural, functional, and spatial information, amino acid conservation, physicochemical variation, residue mobility, and thermodynamic stability) performed at Invitae indicates that this missense variant is not expected to disrupt APC protein function. ClinVar contains an entry for this variant (Variation ID: 631272). This variant has not been reported in the literature in individuals affected with APC-related conditions. This variant is not present in population databases (gnomAD no frequency). This sequence change replaces isoleucine, which is neutral and non-polar, with methionine, which is neutral and non-polar, at codon 2181 of the APC protein (p.Ile2181Met).

NM_000038.6(APC):c.6543A>G (p.Ile2181Met)

Gene: APC (APC regulator of Wnt signaling pathway; plus strand). Cytogenetic location: 5q22.2.
Variant type: single nucleotide variant.
Coding change: c.6543A>G on transcript NM_000038.6 (MANE Select); coding-DNA position 6543, A replaced by G.
Protein change: p.Ile2181Met; replaces isoleucine 2181 with methionine.
Molecular consequence: missense variant.
Genome position (GRCh38, 1-based): chr5:112,842,137, A>G. VCF-style: chr5-112842137-A-G. GRCh37 (hg19) VCF-style: chr5-112177834-A-G.
Other names: c.6543A>G, p.Ile2181Met (NM_001127510.3, NM_001354895.2); c.6489A>G, p.Ile2163Met (NM_001127511.3); c.6597A>G, p.Ile2199Met (NM_001354896.2); c.6573A>G, p.Ile2191Met (NM_001354897.2); c.6468A>G, p.Ile2156Met (NM_001354898.2); c.6459A>G, p.Ile2153Met (NM_001354899.2); c.6420A>G, p.Ile2140Met (NM_001354900.2); c.6366A>G, p.Ile2122Met (NM_001354901.2); and 5 more; short protein forms I2163M, I2181M, I1898M, I2021M, I2055M, I2122M, I2156M, I2191M.
Identifiers: ClinVar variation 631272 (VCV000631272.17), dbSNP rs1561608119, ClinGen allele CA16035646.